The following is an entry in ClinVar:

NM_024675.4(PALB2):c.2614G>A (p.Val872Met)

Gene: PALB2 (partner and localizer of BRCA2; minus strand). Cytogenetic location: 16p12.2.
Variant type: single nucleotide variant.
Coding change: c.2614G>A on transcript NM_024675.4 (MANE Select); coding-DNA position 2614, G replaced by A.
Protein change: p.Val872Met; replaces valine 872 with methionine.
Molecular consequence: missense variant.
Genome position (GRCh38, 1-based): chr16:23,626,370, C>T on the plus strand (G>A on the coding strand, the complement: PALB2 is on the minus strand). VCF-style: chr16-23626370-C-T. GRCh37 (hg19) VCF-style: chr16-23637691-C-T.
Other names: short protein forms V872M.
Identifiers: ClinVar variation 419080 (VCV000419080.9), dbSNP rs1064793628, ClinGen allele CA16620129.

ClinVar aggregate classification (germline): Conflicting classifications of pathogenicity. Review status: criteria provided, conflicting classifications (1 of 4 stars). 4 submissions from 4 submitters: Uncertain significance (2); Likely benign (1). 1 of the submissions does not count toward it. Last evaluated 2024-05-14.

Conditions:
Hereditary cancer-predisposing syndrome. Also called: Hereditary neoplastic syndrome; Tumor predisposition; Neoplastic Syndromes, Hereditary; Hereditary Cancer Syndrome. Identifiers: Orphanet 140162, MedGen C0027672, MeSH D009386, MONDO:0015356.
Familial cancer of breast. Also called: Hereditary breast cancer; BREAST CANCER, FAMILIAL; hereditary breast carcinoma. Identifiers: Orphanet 227535, MedGen C0346153, MONDO:0016419, OMIM 114480. Disease mechanism: loss of function.

Submissions (4):

Ambry Genetics
Classification: Likely benign for Hereditary cancer-predisposing syndrome. Last evaluated: 2024-05-14. Review status: criteria provided, single submitter. Criteria: Ambry Variant Classification Scheme 2023. Collection method: clinical testing. Allele origin: germline.

Labcorp Genetics (formerly Invitae), Labcorp
Classification: Uncertain significance for Familial cancer of breast. Last evaluated: 2022-08-31. Review status: criteria provided, single submitter. Criteria: Invitae Variant Classification Sherloc (09022015). Collection method: clinical testing. Allele origin: germline.
Comment: This sequence change replaces valine, which is neutral and non-polar, with methionine, which is neutral and non-polar, at codon 872 of the PALB2 protein (p.Val872Met). This variant is not present in population databases (gnomAD no frequency). This variant has not been reported in the literature in individuals affected with PALB2-related conditions. ClinVar contains an entry for this variant (Variation ID: 419080). Algorithms developed to predict the effect of missense changes on protein structure and function are either unavailable or do not agree on the potential impact of this missense change (SIFT: "Deleterious"; PolyPhen-2: "Possibly Damaging"; Align-GVGD: "Class C0"). In summary, the available evidence is currently insufficient to determine the role of this variant in disease. Therefore, it has been classified as a Variant of Uncertain Significance.

GeneDx
Classification: Uncertain significance. Last evaluated: 2015-05-17. Review status: criteria provided, single submitter. Criteria: GeneDx Variant Classification (06012015). Collection method: clinical testing. Allele origin: germline. Affected: yes.
Comment: This variant is denoted PALB2 c.2614G>A at the cDNA level, p.Val872Met (V872M) at the protein level, and results in the change of a Valine to a Methionine (GTG>ATG). This variant has not, to our knowledge, been published in the literature as pathogenic or benign. PALB2 Val872Met was not observed in approximately 6,500 individuals of European and African American ancestry in the NHLBI Exome Sequencing Project, indicating it is not a common benign variant in these populations. Since Valine and Methionine share similar properties, this is considered a conservative amino acid substitution. PALB2 Val872Met occurs at a position that is conserved across species and is located in the WD1 repeat region and the region required for interaction with POLH and POLH DNA synthesis stimulation (Uniprot). In silico analyses are inconsistent regarding the effect this variant may have on protein structure and function. Based on currently available information, it is unclear whether PALB2 Val872Met is pathogenic or benign. We consider it to be a variant of uncertain significance.

Leiden Open Variation Database
Classification: Uncertain significance. Last evaluated: 2018-08-25. Review status: no assertion criteria provided. Collection method: curation. Allele origin: germline. Affected: yes. Not counted in ClinVar's aggregate classification.
Comment: Curators: Marc Tischkowitz, Arleen D. Auerbach. Submitter to LOVD: Yukihide Momozawa.

Literature cited by the submitters: PubMed 30287823 (cited by Leiden Open Variation Database).